The following is an entry in ClinVar:

NM_012431.3(SEMA3E):c.1444C>A (p.Leu482Ile)

Gene: SEMA3E (semaphorin 3E; minus strand). Cytogenetic location: 7q21.11.
Variant type: single nucleotide variant.
Coding change: c.1444C>A on transcript NM_012431.3 (MANE Select); coding-DNA position 1444, C replaced by A.
Protein change: p.Leu482Ile; replaces leucine 482 with isoleucine.
Molecular consequence: missense variant.
Genome position (GRCh38, 1-based): chr7:83,396,652, G>T on the plus strand (C>A on the coding strand, the complement: SEMA3E is on the minus strand). VCF-style: chr7-83396652-G-T. GRCh37 (hg19) VCF-style: chr7-83025968-G-T.
Other names: c.1264C>A, p.Leu422Ile (NM_001178129.2); c.1444C>A (NM_012431.2); short protein forms L422I, L482I.
Identifiers: ClinVar variation 2628060 (VCV002628060.6), dbSNP rs951273822, ClinGen allele CA161164898.

ClinVar aggregate classification (germline): Uncertain significance. Review status: criteria provided, multiple submitters, no conflicts (2 of 4 stars). 3 submissions from 3 submitters: Uncertain significance (3). Last evaluated 2025-12-08.

Conditions:
CHARGE syndrome (CHARGE). Also called: Hittner Hirsch Kreh syndrome; CHARGE ASSOCIATION--COLOBOMA, HEART ANOMALY, CHOANAL ATRESIA, RETARDATION, GENITAL AND EAR ANOMALIES; Coloboma, heart anomaly, choanal atresia, retardation, genital and ear anomalies; CHARGE association; Hall-Hittner syndrome. Identifiers: Orphanet 138, MedGen C0265354, MONDO:0008965.
Isolated anophthalmia-microphthalmia syndrome. Identifiers: Orphanet 2542, MedGen C5679828, MONDO:0016764.

Allele frequency attached by ClinVar (database versions not stated): gnomAD exomes below 0.00001; TOPMed 0.00002; gnomAD 0.00005.
gnomAD v4.1: 11 of 1,603,034 alleles (0.00069%); highest among the groups gnomAD compares: Admixed American, 0.013%; no homozygotes.

Submissions (3):

Ambry Genetics
Classification: Uncertain significance. Last evaluated: 2025-12-08. Review status: criteria provided, single submitter. Criteria: Ambry Variant Classification Scheme 2023. Collection method: clinical testing. Allele origin: germline.

Labcorp Genetics (formerly Invitae), Labcorp
Classification: Uncertain significance for CHARGE syndrome. Last evaluated: 2024-05-10. Review status: criteria provided, single submitter. Criteria: Invitae Variant Classification Sherloc (09022015). Collection method: clinical testing. Allele origin: germline.
Comment: This sequence change replaces leucine, which is neutral and non-polar, with isoleucine, which is neutral and non-polar, at codon 482 of the SEMA3E protein (p.Leu482Ile). This variant is present in population databases (no rsID available, gnomAD 0.006%). This variant has not been reported in the literature in individuals affected with SEMA3E-related conditions. ClinVar contains an entry for this variant (Variation ID: 2628060). Advanced modeling of protein sequence and biophysical properties (such as structural, functional, and spatial information, amino acid conservation, physicochemical variation, residue mobility, and thermodynamic stability) performed at Invitae indicates that this missense variant is not expected to disrupt SEMA3E protein function with a negative predictive value of 80%. In summary, the available evidence is currently insufficient to determine the role of this variant in disease. Therefore, it has been classified as a Variant of Uncertain Significance.

DBGen Ocular Genomics
Classification: Uncertain significance for Isolated anophthalmia-microphthalmia syndrome. Last evaluated: 2022-01-01. Review status: criteria provided, single submitter. Criteria: ACMG Guidelines, 2015. Collection method: clinical testing. Allele origin: unknown. Inheritance: Autosomal dominant inheritance. Affected: yes.
Comment: Class 3 ACMG Guidelines, 2015